The following is an entry in ClinVar:

ClinVar aggregate classification (germline): Conflicting classifications of pathogenicity. Review status: criteria provided, conflicting classifications (1 of 4 stars). 3 submissions from 3 submitters: Uncertain significance (2); Benign (1). Last evaluated 2026-05-18.

Conditions:
Hereditary cancer-predisposing syndrome. Also called: Tumor predisposition; Hereditary neoplastic syndrome; Neoplastic Syndromes, Hereditary; Hereditary Cancer Syndrome. Identifiers: Orphanet 140162, MedGen C0027672, MeSH D009386, MONDO:0015356.
TSC2-related disorder. Also called: TSC2-Related Disorders; TSC2-related condition.
Tuberous sclerosis 2 (TSC2). Identifiers: Orphanet 805, MedGen C1860707, MONDO:0013199, OMIM 613254.

Allele frequency attached by ClinVar (database versions not stated): gnomAD exomes below 0.00001; ExAC 0.00001.
gnomAD v4.1: 2 of 1,613,166 alleles (0.00012%); highest among the groups gnomAD compares: Admixed American, 0.0017%; no homozygotes.

Submissions (3):

PreventionGenetics, part of Exact Sciences
Classification: Uncertain significance for TSC2-related condition. Last evaluated: 2026-05-18. Review status: criteria provided, single submitter. Criteria: ACMG Guidelines, 2015. Collection method: clinical testing. Allele origin: germline.
Comment: The TSC2 c.2458A>C variant is predicted to result in the amino acid substitution p.Ile820Leu. To our knowledge, this variant has not been reported in the literature. This variant is reported in 0.0029% of alleles in individuals of Latino descent in gnomAD. This variant has conflicting interpretations of significance in ClinVar ranging from benign to uncertain significance (Variation ID: 1039652). At this time, the clinical significance of this variant is uncertain due to the absence of conclusive functional and genetic evidence.

Labcorp Genetics (formerly Invitae), Labcorp
Classification: Benign for Tuberous sclerosis 2. Last evaluated: 2025-06-15. Review status: criteria provided, single submitter. Criteria: Invitae Variant Classification Sherloc (09022015). Collection method: clinical testing. Allele origin: germline.

Ambry Genetics
Classification: Uncertain significance for Hereditary cancer-predisposing syndrome. Last evaluated: 2025-04-10. Review status: criteria provided, single submitter. Criteria: Ambry Variant Classification Scheme 2023. Collection method: clinical testing. Allele origin: germline.
Comment: The p.I820L variant (also known as c.2458A>C), located in coding exon 21 of the TSC2 gene, results from an A to C substitution at nucleotide position 2458. The isoleucine at codon 820 is replaced by leucine, an amino acid with highly similar properties. This amino acid position is well conserved in available vertebrate species. In addition, the in silico prediction for this alteration is inconclusive. Since supporting evidence is limited at this time, the clinical significance of this alteration remains unclear.

NM_000548.5(TSC2):c.2458A>C (p.Ile820Leu)

Gene: TSC2 (TSC complex subunit 2; plus strand). Cytogenetic location: 16p13.3.
Variant type: single nucleotide variant.
Coding change: c.2458A>C on transcript NM_000548.5 (MANE Select); coding-DNA position 2458, A replaced by C.
Protein change: p.Ile820Leu; replaces isoleucine 820 with leucine.
Molecular consequence: missense variant.
Genome position (GRCh38, 1-based): chr16:2,074,302, A>C. VCF-style: chr16-2074302-A-C. GRCh37 (hg19) VCF-style: chr16-2124303-A-C.
Other names: c.2458A>C, p.Ile820Leu (NM_001077183.3, NM_001114382.3, NM_001363528.2 and 3 more transcripts); c.2347A>C, p.Ile783Leu (NM_001318827.2); c.2311A>C, p.Ile771Leu (NM_001318829.2); c.1858A>C, p.Ile620Leu (NM_001318831.2); c.2491A>C, p.Ile831Leu (NM_001318832.2); c.2458A>C (NM_000548.4); short protein forms I620L, I771L, I783L, I820L, I831L.
Identifiers: ClinVar variation 1039652 (VCV001039652.13), dbSNP rs754451657, ClinGen allele CA039097.